The following is an entry in ClinVar:

NM_001851.6(COL9A1):c.1342-15C>G

Gene: COL9A1 (collagen type IX alpha 1 chain; minus strand). Cytogenetic location: 6q13.
Variant type: single nucleotide variant.
Coding change: c.1342-15C>G on transcript NM_001851.6 (MANE Select); 15 bases into the intron before coding-DNA position 1342, C replaced by G.
Molecular consequence: intron variant.
Genome position (GRCh38, 1-based): chr6:70,263,312, G>C on the plus strand (C>G on the coding strand, the complement: COL9A1 is on the minus strand). VCF-style: chr6-70263312-G-C. GRCh37 (hg19) VCF-style: chr6-70973015-G-C.
Other names: c.613-15C>G (NM_001377290.1, NM_078485.4, NM_001377289.1).
Identifiers: ClinVar variation 511614 (VCV000511614.10), dbSNP rs200223246, ClinGen allele CA3882264.
Genomic context (GRCh38, chr6:70,263,312, plus strand): 5'-CTTGAGCTCCAACTTCTCCGAGTTCTCCCTGGTCACCTTCTTCACCCTAAAGAAAAAAAA[G>C]AAAAAAGAAAAGCACACCAAATGTTATTCTAGCAAACGAACATAGAAATAGGCTTGGTCT-3'

ClinVar aggregate classification (germline): Likely benign. Review status: criteria provided, multiple submitters, no conflicts (2 of 4 stars). 3 submissions from 3 submitters: Likely benign (3). Last evaluated 2026-01-18.

Allele frequency attached by ClinVar (database versions not stated): gnomAD 0.00003; TOPMed 0.00004; gnomAD exomes 0.00007; ExAC 0.00010; 1000 Genomes Project 30x 0.00016; 1000 Genomes Project 0.00020.
gnomAD v4.1: 142 of 1,603,488 alleles (0.0089%); highest among the groups gnomAD compares: Non-Finnish European, 0.012%; no homozygotes.

Submissions (3):

Labcorp Genetics (formerly Invitae), Labcorp
Classification: Likely benign. Last evaluated: 2026-01-18. Review status: criteria provided, single submitter. Criteria: Invitae Variant Classification Sherloc (09022015). Collection method: clinical testing. Allele origin: germline.

Blueprint Genetics
Classification: Likely benign. Last evaluated: 2024-05-21. Review status: criteria provided, single submitter. Criteria: ACMG Guidelines, 2015. Collection method: clinical testing. Allele origin: germline.

GeneDx
Classification: Likely benign. Last evaluated: 2017-08-22. Review status: criteria provided, single submitter. Criteria: GeneDx Variant Classification (06012015). Collection method: clinical testing. Allele origin: germline. Affected: yes.
Comment: This variant is considered likely benign or benign based on one or more of the following criteria: it is a conservative change, it occurs at a poorly conserved position in the protein, it is predicted to be benign by multiple in silico algorithms, and/or has population frequency not consistent with disease.